The following is an entry in ClinVar:

ClinVar aggregate classification (germline): Uncertain significance (1 of 4 stars; one submission).

Conditions:
Primary ciliary dyskinesia. Also called: Ciliary dyskinesia. Identifiers: Orphanet 244, MedGen C0008780, MONDO:0016575, HP:0012265.

Submission:

Labcorp Genetics (formerly Invitae), Labcorp
Classification: Uncertain significance for Primary ciliary dyskinesia. Last evaluated: 2019-11-19. Review status: criteria provided, single submitter. Criteria: Invitae Variant Classification Sherloc (09022015). Collection method: clinical testing. Allele origin: germline.
Comment: In summary, the available evidence is currently insufficient to determine the role of this variant in disease. Therefore, it has been classified as a Variant of Uncertain Significance. Algorithms developed to predict the effect of missense changes on protein structure and function are either unavailable or do not agree on the potential impact of this missense change (SIFT: "Deleterious"; PolyPhen-2: "Probably Damaging"; Align-GVGD: "Class C0"). This variant has not been reported in the literature in individuals with DNAH11-related conditions. This variant is not present in population databases (ExAC no frequency). This sequence change replaces glutamic acid with glycine at codon 4264 of the DNAH11 protein (p.Glu4264Gly). The glutamic acid residue is highly conserved and there is a moderate physicochemical difference between glutamic acid and glycine.

NM_001277115.2(DNAH11):c.12791A>G (p.Glu4264Gly)

Gene: DNAH11 (dynein axonemal heavy chain 11; plus strand). Cytogenetic location: 7p15.3.
Variant type: single nucleotide variant.
Coding change: c.12791A>G on transcript NM_001277115.2 (MANE Select); coding-DNA position 12791, A replaced by G.
Protein change: p.Glu4264Gly; replaces glutamic acid 4264 with glycine.
Molecular consequence: missense variant.
Genome position (GRCh38, 1-based): chr7:21,894,663, A>G. VCF-style: chr7-21894663-A-G. GRCh37 (hg19) VCF-style: chr7-21934281-A-G.
Other names: short protein forms E4264G.
Identifiers: ClinVar variation 849742 (VCV000849742.10), dbSNP rs1784443582, ClinGen allele CA366954346.